The following is an entry in ClinVar:

ClinVar aggregate classification (germline): Uncertain significance (1 of 4 stars; one submission).

Conditions:
Dilated cardiomyopathy 1HH (CMD1HH). Identifiers: Orphanet 154, MedGen C3151293, MONDO:0013479, OMIM 613881.
Myofibrillar myopathy 6. Identifiers: Orphanet 199340, MedGen C2751831, MONDO:0013061, OMIM 612954.

Submission:

Labcorp Genetics (formerly Invitae), Labcorp
Classification: Uncertain significance for Dilated cardiomyopathy 1HH; Myofibrillar myopathy 6. Last evaluated: 2023-03-23. Review status: criteria provided, single submitter. Criteria: Invitae Variant Classification Sherloc (09022015). Collection method: clinical testing. Allele origin: germline.
Comment: In summary, the available evidence is currently insufficient to determine the role of this variant in disease. Therefore, it has been classified as a Variant of Uncertain Significance. Experimental studies and prediction algorithms are not available or were not evaluated, and the functional significance of this variant is currently unknown. This variant has not been reported in the literature in individuals affected with BAG3-related conditions. This variant is not present in population databases (gnomAD no frequency). This sequence change creates a premature translational stop signal (p.Asp482Glufs*14) in the BAG3 gene. While this is not anticipated to result in nonsense mediated decay, it is expected to disrupt the last 94 amino acid(s) of the BAG3 protein.

NM_004281.4(BAG3):c.1445dup (p.Asp482fs)

Gene: BAG3 (BAG cochaperone 3; plus strand). Cytogenetic location: 10q26.11.
Variant type: Duplication.
Coding change: c.1445dup on transcript NM_004281.4 (MANE Select); coding-DNA position 1445, one base duplicated (A; older notation c.1445dupA).
Protein change: p.Asp482fs; shifts the reading frame from aspartic acid 482.
Molecular consequence: frameshift variant.
Genome position (GRCh38, 1-based): chr10:119,676,999, A duplicated. VCF-style (leftmost placement, unchanged base first): chr10-119676998-G-GA. GRCh37 (hg19) VCF-style: chr10-121436510-G-GA.
Other names: short protein forms D482fs.
Identifiers: ClinVar variation 2945685 (VCV002945685.3), dbSNP rs2494024139, ClinGen allele CA2740093566.